The following is an entry in ClinVar:

ClinVar aggregate classification (germline): Benign (1 of 4 stars; one submission).

Allele frequency attached by ClinVar (database versions not stated): 1000 Genomes Project 0.14517; 1000 Genomes Project 30x 0.14553; TOPMed 0.18682; gnomAD 0.18837; ExAC 0.19277; gnomAD exomes 0.19889; ESP Exome Variant Server 0.19909.
gnomAD v4.1: 317,379 of 1,603,196 alleles (20%); highest among the groups gnomAD compares: Non-Finnish European, 21%; 32,525 homozygotes.

Submission:

Unidad de Genómica Garrahan, Hospital de Pediatría Garrahan
Classification: Benign. Last evaluated: 2024-01-24. Review status: criteria provided, single submitter. Criteria: ACMG Guidelines, 2015. Collection method: clinical testing. Allele origin: germline. Affected: no. Observed: 21 variant alleles.
Comment: This variant is classified as Benign based on local population frequency. This variant was detected in 24% of patients studied by a panel of primary immunodeficiencies. Number of patients: 21. Only high quality variants are reported.

NM_018248.3(NEIL3):c.869+15T>C

Gene: NEIL3 (nei like DNA glycosylase 3; plus strand). Cytogenetic location: 4q34.3.
Variant type: single nucleotide variant.
Coding change: c.869+15T>C on transcript NM_018248.3 (MANE Select); 15 bases into the intron after coding-DNA position 869, T replaced by C.
Molecular consequence: intron variant.
Genome position (GRCh38, 1-based): chr4:177,341,657, T>C. VCF-style: chr4-177341657-T-C. GRCh37 (hg19) VCF-style: chr4-178262811-T-C.
Identifiers: ClinVar variation 2688485 (VCV002688485.2), dbSNP rs28618113, ClinGen allele CA3146409.